The following is an entry in ClinVar:

ClinVar aggregate classification (germline): Uncertain significance (1 of 4 stars; one submission).

Submission:

Ambry Genetics
Classification: Uncertain significance. Last evaluated: 2026-07-04. Review status: criteria provided, single submitter. Criteria: Ambry Variant Classification Scheme 2023. Collection method: clinical testing. Allele origin: germline.
Comment: The p.T41S variant (also known as c.122C>G), located in coding exon 2 of the GFI1 gene, results from a C to G substitution at nucleotide position 122. The threonine at codon 41 is replaced by serine, an amino acid with similar properties. This amino acid position is conserved. In addition, this alteration is predicted to be tolerated by in silico analysis. Based on the available evidence, the clinical significance of this variant remains unclear.

NM_005263.5(GFI1):c.122C>G (p.Thr41Ser)

Gene: GFI1 (growth factor independent 1 transcriptional repressor; minus strand). Cytogenetic location: 1p22.1.
Variant type: single nucleotide variant.
Coding change: c.122C>G on transcript NM_005263.5 (MANE Select); coding-DNA position 122, C replaced by G.
Protein change: p.Thr41Ser; replaces threonine 41 with serine.
Molecular consequence: missense variant.
Genome position (GRCh38, 1-based): chr1:92,483,040, G>C on the plus strand (C>G on the coding strand, the complement: GFI1 is on the minus strand). VCF-style: chr1-92483040-G-C. GRCh37 (hg19) VCF-style: chr1-92948597-G-C.
Other names: c.122C>G, p.Thr41Ser (NM_001127215.3, NM_001127216.3); short protein forms T41S.
Identifiers: ClinVar variation 5022368 (VCV005022368.1).